The following is an entry in ClinVar:

NM_021008.4(DEAF1):c.1153T>A (p.Cys385Ser)

Gene: DEAF1 (DEAF1 transcription factor; minus strand). Cytogenetic location: 11p15.5.
Variant type: single nucleotide variant.
Coding change: c.1153T>A on transcript NM_021008.4 (MANE Select); coding-DNA position 1153, T replaced by A.
Protein change: p.Cys385Ser; replaces cysteine 385 with serine.
Molecular consequence: missense variant.
Genome position (GRCh38, 1-based): chr11:678,796, A>T on the plus strand (T>A on the coding strand, the complement: DEAF1 is on the minus strand). VCF-style: chr11-678796-A-T. GRCh37 (hg19) VCF-style: chr11-678796-A-T.
Other names: c.886T>A, p.Cys296Ser (NM_001293634.2); c.427T>A, p.Cys143Ser (NM_001367390.1); short protein forms C296S, C143S, C385S.
Identifiers: ClinVar variation 1360444 (VCV001360444.6), dbSNP rs372788390, ClinGen allele CA5786289.

ClinVar aggregate classification (germline): Uncertain significance (1 of 4 stars; one submission).

Allele frequency attached by ClinVar (database versions not stated): ExAC 0.00002; TOPMed 0.00002; ESP Exome Variant Server 0.00015.
gnomAD v4.1: 6 of 1,613,994 alleles (0.00037%); highest among the groups gnomAD compares: African/African-American, 0.008%; no homozygotes.

Submission:

Labcorp Genetics (formerly Invitae), Labcorp
Classification: Uncertain significance. Last evaluated: 2022-07-05. Review status: criteria provided, single submitter. Criteria: Invitae Variant Classification Sherloc (09022015). Collection method: clinical testing. Allele origin: germline.
Comment: In summary, the available evidence is currently insufficient to determine the role of this variant in disease. Therefore, it has been classified as a Variant of Uncertain Significance. Algorithms developed to predict the effect of missense changes on protein structure and function (SIFT, PolyPhen-2, Align-GVGD) all suggest that this variant is likely to be disruptive. ClinVar contains an entry for this variant (Variation ID: 1360444). This variant has not been reported in the literature in individuals affected with DEAF1-related conditions. This variant is present in population databases (rs372788390, gnomAD 0.02%). This sequence change replaces cysteine, which is neutral and slightly polar, with serine, which is neutral and polar, at codon 385 of the DEAF1 protein (p.Cys385Ser).